The following is an entry in ClinVar:

NC_000017.10:g.(?_57697493)_(57742290_?)dup

Gene: CLTC (clathrin heavy chain; plus strand). Cytogenetic location: 17q23.1.
Variant type: Duplication.
Identifiers: ClinVar variation 2424119 (VCV002424119.3).

ClinVar aggregate classification (germline): Uncertain significance (1 of 4 stars; one submission).

Submission:

Labcorp Genetics (formerly Invitae), Labcorp
Classification: Uncertain significance. Last evaluated: 2022-09-13. Review status: criteria provided, single submitter. Criteria: Invitae Variant Classification Sherloc (09022015). Collection method: clinical testing. Allele origin: germline.
Comment: In summary, the available evidence is currently insufficient to determine the role of this variant in disease. Therefore, it has been classified as a Variant of Uncertain Significance. Experimental studies and prediction algorithms are not available or were not evaluated, and the functional significance of this variant is currently unknown. This variant has not been reported in the literature in individuals affected with CLTC-related conditions. This variant results in a copy number gain of the genomic region encompassing exon(s) 1-10 of the CLTC gene. This region includes the initiator codon of the gene. This copy number gain extends beyond the assayed region for this gene and therefore may encompass additional genes. As the precise location of this event is unknown, it may be in tandem or it may be located elsewhere in the genome.